The following is an entry in ClinVar:

NM_000138.5(FBN1):c.2855-1G>C

Gene: FBN1 (fibrillin 1; minus strand). Cytogenetic location: 15q21.1.
Variant type: single nucleotide variant.
Coding change: c.2855-1G>C on transcript NM_000138.5 (MANE Select); the canonical splice acceptor site of the intron before coding-DNA position 2855, G replaced by C.
Molecular consequence: splice acceptor variant.
Genome position (GRCh38, 1-based): chr15:48,490,079, C>G on the plus strand (G>C on the coding strand, the complement: FBN1 is on the minus strand). VCF-style: chr15-48490079-C-G. GRCh37 (hg19) VCF-style: chr15-48782276-C-G.
Other names: c.2855-1G>C (NM_001406716.1).
Identifiers: ClinVar variation 36058 (VCV000036058.7), dbSNP rs112202622, ClinGen allele CA013455.

ClinVar aggregate classification (germline): Pathogenic/Likely pathogenic. Review status: criteria provided, multiple submitters, no conflicts (2 of 4 stars). 3 submissions from 3 submitters: Pathogenic (1); Likely pathogenic (2). Last evaluated 2025-03-26.

Conditions:
Marfan Syndrome/Loeys-Dietz Syndrome/Familial Thoracic Aortic Aneurysms and Dissections. Identifiers: MedGen CN229799.
Familial thoracic aortic aneurysm and aortic dissection (TAAD). Also called: Thoracic aortic aneurysms and dissections. Identifiers: Orphanet 91387, MedGen C4707243, MONDO:0019625.
Marfan syndrome (MFS). Also called: FBN1-Related Marfan Syndrome; Marfan syndrome type 1; Marfan's syndrome; Marfan syndrome, classic; MARFAN SYNDROME, TYPE I. Identifiers: Orphanet 284963, Orphanet 558, MedGen C0024796, MONDO:0007947, OMIM 154700.

Submissions (3):

Labcorp Genetics (formerly Invitae), Labcorp
Classification: Pathogenic for Marfan syndrome; Familial thoracic aortic aneurysm and aortic dissection. Last evaluated: 2025-03-26. Review status: criteria provided, single submitter. Criteria: Invitae Variant Classification Sherloc (09022015). Collection method: clinical testing. Allele origin: germline.
Comment: This sequence change affects an acceptor splice site in intron 24 of the FBN1 gene. It is expected to disrupt RNA splicing. Variants that disrupt the donor or acceptor splice site typically lead to a loss of protein function (PMID: 16199547), and loss-of-function variants in FBN1 are known to be pathogenic (PMID: 17657824, 19293843). This variant is not present in population databases (gnomAD no frequency). Disruption of this splice site has been observed in individuals with clinical features of Marfan syndrome (PMID: 36517271; internal data). ClinVar contains an entry for this variant (Variation ID: 36058). Algorithms developed to predict the effect of sequence changes on RNA splicing suggest that this variant may disrupt the consensus splice site. For these reasons, this variant has been classified as Pathogenic.

Women's Health and Genetics/Laboratory Corporation of America, LabCorp
Classification: Likely pathogenic for Marfan Syndrome/Loeys-Dietz Syndrome/Familial Thoracic Aortic Aneurysms and Dissections. Last evaluated: 2025-01-27. Review status: criteria provided, single submitter. Criteria: LabCorp Variant Classification Summary - May 2015. Collection method: clinical testing. Allele origin: germline.
Comment: Variant summary: FBN1 c.2855-1G>C is located in a canonical splice-site and is predicted to affect mRNA splicing resulting in a significantly altered protein due to either exon skipping, shortening, or inclusion of intronic material. Variants that disrupt the consensus splice site are a relatively common cause of aberrant splicing and loss of FBN1 function. Several computational tools predict a significant impact on normal splicing: Four predict the variant abolishes the 3' canonical acceptor site. However, these predictions have yet to be confirmed by functional studies. The variant was absent in 250810 control chromosomes. c.2855-1G>C has not been reported in the literature in individuals affected with Marfan Syndrome. To our knowledge, no experimental evidence demonstrating an impact on protein function has been reported. The following publication has been ascertained in the context of this evaluation (PMID: 27906200). ClinVar contains an entry for this variant (Variation ID: 36058). Based on the evidence outlined above, the variant was classified as likely pathogenic.

Ambry Genetics
Classification: Likely pathogenic for Familial thoracic aortic aneurysm and aortic dissection. Last evaluated: 2019-07-24. Review status: criteria provided, single submitter. Criteria: Ambry Variant Classification Scheme 2023. Collection method: clinical testing. Allele origin: germline.
Comment: The c.2855-1G>C intronic variant results from a G to C substitution one nucleotide upstream from coding exon 24 of the FBN1 gene. This nucleotide position is highly conserved in available vertebrate species. Using the BDGP and ESEfinder splice site prediction tools, this alteration is predicted to abolish the native splice acceptor site; however, direct evidence is unavailable. Alterations that disrupt the canonical splice site are expected to cause aberrant splicing, resulting in an abnormal protein or a transcript that is subject to nonsense-mediated mRNA decay. As such, this alteration is classified as likely pathogenic.

Literature cited by the submitters: PubMed 16199547 (cited by Labcorp Genetics (formerly Invitae), Labcorp); PubMed 17657824 (cited by Labcorp Genetics (formerly Invitae), Labcorp); PubMed 19293843 (cited by Labcorp Genetics (formerly Invitae), Labcorp); PubMed 36517271 (cited by Labcorp Genetics (formerly Invitae), Labcorp); PubMed 27906200 (cited by Women's Health and Genetics/Laboratory Corporation of America, LabCorp).